The following is an entry in ClinVar:

ClinVar aggregate classification (germline): Conflicting classifications of pathogenicity. Review status: criteria provided, conflicting classifications (1 of 4 stars). 4 submissions from 4 submitters: Uncertain significance (2); Likely benign (1). 1 of the submissions does not count toward it. Last evaluated 2025-07-14.

Conditions:
Inborn genetic diseases. Identifiers: MedGen C0950123, MeSH D030342.
Fanconi anemia complementation group A (FANCA). Also called: Fanconi anemia, group A; FANCA-Related Fanconi Anemia. Identifiers: Orphanet 84, MedGen C3469521, MONDO:0009215, OMIM 227650.
Fanconi anemia (FA). Also called: Fanconi's anemia. Identifiers: Orphanet 84, MedGen C0015625, MeSH D005199, MONDO:0019391.

Allele frequency attached by ClinVar (database versions not stated): gnomAD 0.00001 and 0.00010; TOPMed 0.00002; gnomAD exomes 0.00005; 1000 Genomes Project 30x 0.00016; 1000 Genomes Project 0.00020.
gnomAD v4.1: 94 of 1,614,176 alleles (0.0058%); highest among the groups gnomAD compares: South Asian, 0.083%; 2 homozygotes.

Submissions (4):

Labcorp Genetics (formerly Invitae), Labcorp
Classification: Likely benign for Fanconi anemia. Last evaluated: 2025-07-14. Review status: criteria provided, single submitter. Criteria: Invitae Variant Classification Sherloc (09022015). Collection method: clinical testing. Allele origin: germline.

Ambry Genetics
Classification: Uncertain significance for Inborn genetic diseases. Last evaluated: 2024-12-15. Review status: criteria provided, single submitter. Criteria: Ambry Variant Classification Scheme 2023. Collection method: clinical testing. Allele origin: germline.
Comment: The p.H544Q variant (also known as c.1632C>A), located in coding exon 18 of the FANCA gene, results from a C to A substitution at nucleotide position 1632. The histidine at codon 544 is replaced by glutamine, an amino acid with highly similar properties. This amino acid position is conserved. In addition, this alteration is predicted to be tolerated by in silico analysis. Based on the available evidence, the clinical significance of this variant remains unclear.

Illumina Laboratory Services, Illumina
Classification: Uncertain significance for Fanconi anemia complementation group A. Last evaluated: 2018-01-13. Review status: criteria provided, single submitter. Criteria: ICSL Variant Classification Criteria 13 December 2019. Collection method: clinical testing. Allele origin: germline.

Natera, Inc.
Classification: Likely benign for Fanconi anemia. Last evaluated: 2020-10-28. Review status: no assertion criteria provided. Collection method: clinical testing. Allele origin: germline. Not counted in ClinVar's aggregate classification.

NM_000135.4(FANCA):c.1632C>A (p.His544Gln)

Gene: FANCA (FA complementation group A; minus strand). Cytogenetic location: 16q24.3.
Variant type: single nucleotide variant.
Coding change: c.1632C>A on transcript NM_000135.4 (MANE Select); coding-DNA position 1632, C replaced by A.
Protein change: p.His544Gln; replaces histidine 544 with glutamine.
Molecular consequence: missense variant.
Genome position (GRCh38, 1-based): chr16:89,779,952, G>T on the plus strand (C>A on the coding strand, the complement: FANCA is on the minus strand). VCF-style: chr16-89779952-G-T. GRCh37 (hg19) VCF-style: chr16-89846360-G-T.
Other names: c.1632C>A, p.His544Gln (NM_001286167.3); short protein forms H544Q.
Identifiers: ClinVar variation 701623 (VCV000701623.20), dbSNP rs553129361, ClinGen allele CA8252186.